The following is an entry in ClinVar:

NM_000553.6(WRN):c.1803_1804insGGGAGAAGCACT (p.Leu601_Met602insGlyArgSerThr)

Gene: WRN (WRN RecQ like helicase; plus strand). Cytogenetic location: 8p12.
Variant type: Insertion.
Coding change: c.1803_1804insGGGAGAAGCACT on transcript NM_000553.6 (MANE Select); coding-DNA positions 1803 to 1804, GGGAGAAGCACT inserted.
Protein change: p.Leu601_Met602insGlyArgSerThr.
Molecular consequence: inframe insertion.
Genome position: GRCh38 VCF-style: chr8-31090916-G-GGGGAGAAGCACT. GRCh37 (hg19) VCF-style: chr8-30948432-G-GGGGAGAAGCACT.
Identifiers: ClinVar variation 2861418 (VCV002861418.3), dbSNP rs2535931747, ClinGen allele CA2739280006.

ClinVar aggregate classification (germline): Uncertain significance (1 of 4 stars; one submission).

Conditions:
Werner syndrome (WRN). Identifiers: Orphanet 902, MedGen C0043119, MONDO:0010196, OMIM 277700.

Submission:

Labcorp Genetics (formerly Invitae), Labcorp
Classification: Uncertain significance for Werner syndrome. Last evaluated: 2023-05-02. Review status: criteria provided, single submitter. Criteria: Invitae Variant Classification Sherloc (09022015). Collection method: clinical testing. Allele origin: germline.
Comment: In summary, the available evidence is currently insufficient to determine the role of this variant in disease. Therefore, it has been classified as a Variant of Uncertain Significance. Experimental studies and prediction algorithms are not available or were not evaluated, and the functional significance of this variant is currently unknown. This variant, c.1803_1804insGGGAGAAGCACT, results in the insertion of 4 amino acid(s) of the WRN protein (p.Leu601_Met602insGlyArgSerThr), but otherwise preserves the integrity of the reading frame. This variant is not present in population databases (gnomAD no frequency). This variant has not been reported in the literature in individuals affected with WRN-related conditions.